The following is an entry in ClinVar:

NC_000001.10:g.(?_16460943)_(16482447_?)dup

Genes: EPHA2 (EPH receptor A2; minus strand), EPHA2-AS1 (EPHA2 antisense RNA 1; plus strand). Cytogenetic location: 1p36.13.
Variant type: Duplication.
Identifiers: ClinVar variation 643721 (VCV000643721.8).

ClinVar aggregate classification (germline): Uncertain significance (1 of 4 stars; one submission).

Conditions:
Cataract 6 multiple types. Also called: CATARACT, AGE-RELATED CORTICAL, 2; CATARACT 6, POSTERIOR POLAR; CATARACT 6, CONGENITAL TOTAL. Identifiers: Orphanet 91492, MedGen C1861825, MONDO:0007288, OMIM 116600.

Submission:

Labcorp Genetics (formerly Invitae), Labcorp
Classification: Uncertain significance for Cataract 6 multiple types. Last evaluated: 2018-07-03. Review status: criteria provided, single submitter. Criteria: Invitae Variant Classification Sherloc (09022015). Collection method: clinical testing. Allele origin: germline.
Comment: In summary, the available evidence is currently insufficient to determine the role of this variant in disease. Therefore, it has been classified as a Variant of Uncertain Significance. This variant has not been reported in the literature in individuals with EPHA2-related disease. This variant results in a copy number gain of the genomic region encompassing exons 1-8 of the EPHA2 gene. The 5' end of this event is unknown as it extends beyond the assayed region for this gene and therefore may encompass additional genes. The 3' boundary is likely confined to intron 8 of the EPHA2 gene. As the precise location of this event is unknown, it may be in tandem or it may be located elsewhere in the genome.